The following is an entry in ClinVar:

ClinVar aggregate classification (germline): Likely benign (0 of 4 stars; one submission).

Conditions:
PRKD1-related disorder. Also called: PRKD1-related condition.

Allele frequency attached by ClinVar (database versions not stated): gnomAD 0.00004; TOPMed 0.00005; ESP Exome Variant Server 0.00008; 1000 Genomes Project 30x 0.00016; 1000 Genomes Project 0.00020.
gnomAD v4.1: 18 of 1,614,030 alleles (0.0011%); highest among the groups gnomAD compares: African/African-American, 0.0093%; no homozygotes.

Submission:

PreventionGenetics, part of Exact Sciences
Classification: Likely benign for PRKD1-related condition. Last evaluated: 2020-02-04. Review status: no assertion criteria provided. Collection method: clinical testing. Allele origin: germline.
Comment: This variant is classified as likely benign based on ACMG/AMP sequence variant interpretation guidelines (Richards et al. 2015 PMID: 25741868, with internal and published modifications).

NM_002742.3(PRKD1):c.1626C>T (p.Pro542=)

Gene: PRKD1 (protein kinase D1; minus strand). Cytogenetic location: 14q12.
Variant type: single nucleotide variant.
Coding change: c.1626C>T on transcript NM_002742.3 (MANE Select); coding-DNA position 1626, C replaced by T.
Protein change: p.Pro542=; no amino-acid change (proline 542 retained).
Molecular consequence: synonymous variant.
Genome position (GRCh38, 1-based): chr14:29,630,788, G>A on the plus strand (C>T on the coding strand, the complement: PRKD1 is on the minus strand). VCF-style: chr14-29630788-G-A. GRCh37 (hg19) VCF-style: chr14-30099994-G-A.
Other names: c.1650C>T, p.Pro550= (NM_001330069.2); c.1362C>T, p.Pro454= (NM_001348390.1).
Identifiers: ClinVar variation 3052110 (VCV003052110.2), dbSNP rs375056616, ClinGen allele CA7141124.